The following is an entry in ClinVar:

NM_022455.5(NSD1):c.7676C>A (p.Ala2559Asp)

Gene: NSD1 (nuclear receptor binding SET domain protein 1; plus strand). Cytogenetic location: 5q35.3.
Variant type: single nucleotide variant.
Coding change: c.7676C>A on transcript NM_022455.5 (MANE Select); coding-DNA position 7676, C replaced by A.
Protein change: p.Ala2559Asp; replaces alanine 2559 with aspartic acid.
Molecular consequence: missense variant.
Genome position (GRCh38, 1-based): chr5:177,295,044, C>A. VCF-style: chr5-177295044-C-A. GRCh37 (hg19) VCF-style: chr5-176722045-C-A.
Other names: c.7676C>A, p.Ala2559Asp (NM_001409303.1, NM_001409301.1, NM_001409302.1); c.7256C>A, p.Ala2419Asp (NM_001409304.1); c.6923C>A, p.Ala2308Asp (NM_001409305.1); c.6914C>A, p.Ala2305Asp (NM_001409306.1, NM_001409307.1); c.6803C>A, p.Ala2268Asp (NM_001409308.1, NM_172349.5, NM_001365684.2); c.6554C>A, p.Ala2185Asp (NM_001409309.1); short protein forms A2268D, A2305D, A2419D, A2185D, A2308D, A2559D.
Identifiers: ClinVar variation 3685849 (VCV003685849.2).

ClinVar aggregate classification (germline): Uncertain significance (1 of 4 stars; one submission).

Submission:

Labcorp Genetics (formerly Invitae), Labcorp
Classification: Uncertain significance. Last evaluated: 2024-01-09. Review status: criteria provided, single submitter. Criteria: Invitae Variant Classification Sherloc (09022015). Collection method: clinical testing. Allele origin: germline.
Comment: This sequence change replaces alanine, which is neutral and non-polar, with aspartic acid, which is acidic and polar, at codon 2559 of the NSD1 protein (p.Ala2559Asp). This variant is not present in population databases (gnomAD no frequency). This variant has not been reported in the literature in individuals affected with NSD1-related conditions. Advanced modeling of protein sequence and biophysical properties (such as structural, functional, and spatial information, amino acid conservation, physicochemical variation, residue mobility, and thermodynamic stability) performed at Invitae indicates that this missense variant is not expected to disrupt NSD1 protein function with a negative predictive value of 95%. In summary, the available evidence is currently insufficient to determine the role of this variant in disease. Therefore, it has been classified as a Variant of Uncertain Significance.